The following is an entry in ClinVar:

NM_175875.5(SIX5):c.1103C>T (p.Pro368Leu)

Genes: SIX5 (SIX homeobox 5; minus strand), LOC107075317 (origin of replication in DMPK trinucleotide repeat region; plus strand). Cytogenetic location: 19q13.32.
Variant type: single nucleotide variant.
Coding change: c.1103C>T on transcript NM_175875.5 (MANE Select); coding-DNA position 1103, C replaced by T.
Protein change: p.Pro368Leu; replaces proline 368 with leucine.
Molecular consequence: missense variant.
Genome position (GRCh38, 1-based): chr19:45,766,856, G>A on the plus strand (C>T on the coding strand, the complement: SIX5 is on the minus strand). VCF-style: chr19-45766856-G-A. GRCh37 (hg19) VCF-style: chr19-46270114-G-A.
Other names: short protein forms P368L.
Identifiers: ClinVar variation 2532991 (VCV002532991.5), dbSNP rs762921806, ClinGen allele CA9520677.
Genomic context (GRCh38, chr19:45,766,856, plus strand): 5'-GGGTCCAGGACCAGAGAGGTCTTGGTCTCGCTGGCCCCCTGAGGGCTGGGCTGCGGTGGA[G>A]GGGCACCCCCGCCCCCAGTGAGCAGCAGCGGGCCCAGGCTGGAGGCCTCGCCCAGGGCCA-3'
Protein context (NP_787071.3, residues 358-378): PLLLTGGGGA[Pro368Leu]PPQPSPQGAS

ClinVar aggregate classification (germline): Uncertain significance. Review status: criteria provided, multiple submitters, no conflicts (2 of 4 stars). 2 submissions from 2 submitters: Uncertain significance (2). Last evaluated 2023-04-05.

Allele frequency attached by ClinVar (database versions not stated): gnomAD exomes 0.00001; TOPMed 0.00001.

Submissions (2):

Ambry Genetics
Classification: Uncertain significance. Last evaluated: 2023-04-05. Review status: criteria provided, single submitter. Criteria: Ambry Variant Classification Scheme 2023. Collection method: clinical testing. Allele origin: germline.

Labcorp Genetics (formerly Invitae), Labcorp
Classification: Uncertain significance. Last evaluated: 2022-12-26. Review status: criteria provided, single submitter. Criteria: Invitae Variant Classification Sherloc (09022015). Collection method: clinical testing. Allele origin: germline.
Comment: In summary, the available evidence is currently insufficient to determine the role of this variant in disease. Therefore, it has been classified as a Variant of Uncertain Significance. This sequence change replaces proline, which is neutral and non-polar, with leucine, which is neutral and non-polar, at codon 368 of the SIX5 protein (p.Pro368Leu). This variant is present in population databases (rs762921806, gnomAD 0.002%). This variant has not been reported in the literature in individuals affected with SIX5-related conditions. Advanced modeling of protein sequence and biophysical properties (such as structural, functional, and spatial information, amino acid conservation, physicochemical variation, residue mobility, and thermodynamic stability) performed at Invitae indicates that this missense variant is not expected to disrupt SIX5 protein function.